The following is an entry in ClinVar:

ClinVar aggregate classification (germline): Uncertain significance. Review status: criteria provided, multiple submitters, no conflicts (2 of 4 stars). 2 submissions from 2 submitters: Uncertain significance (2). Last evaluated 2024-10-14.

Conditions:
Chédiak-Higashi syndrome (CHS). Also called: Chediak-Higashi Syndrome. Identifiers: Orphanet 167, MedGen C0007965, MONDO:0008963, OMIM 214500.

Allele frequency attached by ClinVar (database versions not stated): gnomAD exomes below 0.00001 and 0.00001; TOPMed below 0.00001; gnomAD 0.00002.
gnomAD v4.1: 15 of 1,612,856 alleles (0.00093%); highest among the groups gnomAD compares: Non-Finnish European, 0.0013%; no homozygotes.

Submissions (2):

Labcorp Genetics (formerly Invitae), Labcorp
Classification: Uncertain significance for Chédiak-Higashi syndrome. Last evaluated: 2024-10-14. Review status: criteria provided, single submitter. Criteria: Invitae Variant Classification Sherloc (09022015). Collection method: clinical testing. Allele origin: germline.
Comment: This sequence change replaces methionine, which is neutral and non-polar, with threonine, which is neutral and polar, at codon 2544 of the LYST protein (p.Met2544Thr). This variant is present in population databases (no rsID available, gnomAD 0.002%). This variant has not been reported in the literature in individuals affected with LYST-related conditions. ClinVar contains an entry for this variant (Variation ID: 962554). Invitae Evidence Modeling of protein sequence and biophysical properties (such as structural, functional, and spatial information, amino acid conservation, physicochemical variation, residue mobility, and thermodynamic stability) indicates that this missense variant is not expected to disrupt LYST protein function with a negative predictive value of 80%. In summary, the available evidence is currently insufficient to determine the role of this variant in disease. Therefore, it has been classified as a Variant of Uncertain Significance.

CeGaT Center for Human Genetics Tuebingen
Classification: Uncertain significance. Last evaluated: 2020-10-01. Review status: criteria provided, single submitter. Criteria: CeGaT Center For Human Genetics Tuebingen Variant Classification Criteria Version 2. Collection method: clinical testing. Allele origin: germline. Affected: yes. Observed: 1 variant allele.

NM_000081.4(LYST):c.7631T>C (p.Met2544Thr)

Gene: LYST (lysosomal trafficking regulator; minus strand). Cytogenetic location: 1q42.3.
Variant type: single nucleotide variant.
Coding change: c.7631T>C on transcript NM_000081.4 (MANE Select); coding-DNA position 7631, T replaced by C.
Protein change: p.Met2544Thr; replaces methionine 2544 with threonine.
Molecular consequence: missense variant.
Genome position (GRCh38, 1-based): chr1:235,751,359, A>G on the plus strand (T>C on the coding strand, the complement: LYST is on the minus strand). VCF-style: chr1-235751359-A-G. GRCh37 (hg19) VCF-style: chr1-235914659-A-G.
Other names: c.7631T>C, p.Met2544Thr (NM_001301365.1); short protein forms M2544T.
Identifiers: ClinVar variation 962554 (VCV000962554.42), dbSNP rs1371610729, ClinGen allele CA344929895.